The following is an entry in ClinVar:

ClinVar aggregate classification (germline): Uncertain significance (1 of 4 stars; one submission).

Conditions:
Ataxia-telangiectasia syndrome (AT). Also called: Ataxia-telangiectasia, complementation group D; AT, COMPLEMENTATION GROUP C; ATAXIA-TELANGIECTASIA, COMPLEMENTATION GROUP A; ATAXIA-TELANGIECTASIA, FRESNO VARIANT; Ataxia-telangiectasia; Cerebello-oculocutaneous telangiectasia. Identifiers: Orphanet 100, MedGen C0004135, MONDO:0008840, OMIM 208900.

Submission:

Labcorp Genetics (formerly Invitae), Labcorp
Classification: Uncertain significance for Ataxia-telangiectasia syndrome. Last evaluated: 2020-04-08. Review status: criteria provided, single submitter. Criteria: Invitae Variant Classification Sherloc (09022015). Collection method: clinical testing. Allele origin: germline.
Comment: This sequence change replaces aspartic acid with asparagine at codon 18 of the ATM protein (p.Asp18Asn). The aspartic acid residue is moderately conserved and there is a small physicochemical difference between aspartic acid and asparagine. This variant is not present in population databases (ExAC no frequency). In summary, the available evidence is currently insufficient to determine the role of this variant in disease. Therefore, it has been classified as a Variant of Uncertain Significance. Algorithms developed to predict the effect of missense changes on protein structure and function are either unavailable or do not agree on the potential impact of this missense change (SIFT: "Deleterious"; PolyPhen-2: "Probably Damaging"; Align-GVGD: "Class C0"). This variant has not been reported in the literature in individuals with ATM-related conditions.

NM_000051.4(ATM):c.52G>A (p.Asp18Asn)

Gene: ATM (ATM serine/threonine kinase; plus strand). Cytogenetic location: 11q22.3.
Variant type: single nucleotide variant.
Coding change: c.52G>A on transcript NM_000051.4 (MANE Select); coding-DNA position 52, G replaced by A.
Protein change: p.Asp18Asn; replaces aspartic acid 18 with asparagine.
Molecular consequence: missense variant.
Genome position (GRCh38, 1-based): chr11:108,227,676, G>A. VCF-style: chr11-108227676-G-A. GRCh37 (hg19) VCF-style: chr11-108098403-G-A.
Other names: c.52G>A, p.Asp18Asn (NM_001351834.2, NM_001351835.2, NM_001351836.2); short protein forms D18N.
Identifiers: ClinVar variation 1001071 (VCV001001071.8), dbSNP rs2078809121, ClinGen allele CA382519232.